The following is an entry in ClinVar:

NM_138477.4(CDAN1):c.943+26_943+41delinsC

Gene: CDAN1 (codanin 1; minus strand). Cytogenetic location: 15q15.2.
Variant type: Indel.
Coding change: c.943+26_943+41delinsC on transcript NM_138477.4 (MANE Select); bases 26 to 41 of the intron after coding-DNA position 943, GTGGAGACACTTGTAG replaced by C.
Molecular consequence: intron variant.
Genome position (GRCh38, 1-based): chr15:42,735,469-42,735,484, CTACAAGTGTCTCCAC replaced by G on the plus strand (GTGGAGACACTTGTAG replaced by C on the coding strand, the reverse complement: CDAN1 is on the minus strand). VCF-style: chr15-42735469-CTACAAGTGTCTCCAC-G. GRCh37 (hg19) VCF-style: chr15-43027667-CTACAAGTGTCTCCAC-G.
Other names: p.?.
Identifiers: ClinVar variation 2683790 (VCV002683790.1), dbSNP rs2506130093, ClinGen allele CA2697554389.

ClinVar aggregate classification (germline): Uncertain significance (1 of 4 stars; one submission).

Submission:

Mayo Clinic Laboratories, Mayo Clinic
Classification: Uncertain significance. Last evaluated: 2022-06-09. Review status: criteria provided, single submitter. Criteria: ACMG Guidelines, 2015. Collection method: clinical testing. Allele origin: germline. Observed: 1 variant allele.
Comment: BP4, BP7, PM2